The following is an entry in ClinVar:

NM_002617.4(PEX10):c.578dup (p.Arg194fs)

Gene: PEX10 (peroxisomal biogenesis factor 10; minus strand). Cytogenetic location: 1p36.32.
Variant type: Duplication.
Coding change: c.578dup on transcript NM_002617.4 (MANE Select); coding-DNA position 578, one base duplicated (A; older notation c.578dupA).
Protein change: p.Arg194fs; shifts the reading frame from arginine 194.
Molecular consequence: frameshift variant. On other transcripts: non-coding transcript variant (1).
Genome position (GRCh38, 1-based): chr1:2,408,474, T duplicated on the plus strand (A on the coding strand, the reverse complement: PEX10 is on the minus strand); the first of 2 consecutive T bases (chr1:2,408,474-2,408,475); duplicating either gives the same sequence. VCF-style (leftmost placement, unchanged base first): chr1-2408473-C-CT. GRCh37 (hg19) VCF-style: chr1-2339912-C-CT.
Other names: c.578dup, p.Arg194fs (NM_001374425.1, NM_153818.2); c.146dup, p.Arg50fs (NM_001374426.1, NM_001374427.1); short protein forms R194fs, R50fs.
Identifiers: ClinVar variation 5014543 (VCV005014543.1).

ClinVar aggregate classification (germline): Pathogenic (1 of 4 stars; one submission).

Conditions:
Peroxisome biogenesis disorder. Identifiers: Orphanet 79189, MedGen C1832200, MONDO:0019234. Disease mechanism: loss of function.

Submission:

Myriad Genetics, Inc.
Classification: Pathogenic for Peroxisome biogenesis disorder. Last evaluated: 2025-05-31. Review status: criteria provided, single submitter. Criteria: Myriad Autosomal Dominant, Autosomal Recessive and X-Linked Classification Criteria (2023). Collection method: clinical testing. Allele origin: unknown.
Comment: NM_153818.1(PEX10):c.578dupA(R194Efs*43) is expected to be pathogenic in the context of peroxisome biogenesis disorder type 6. This variant is predicted to lead to an abnormal or absent protein product due to the creation of a premature termination codon in PEX10, a gene where loss-of-function variants are known to be pathogenic. Please note: this variant was assessed in the context of healthy population screening.